The following is an entry in ClinVar:

NM_000246.4(CIITA):c.647C>T (p.Ser216Leu)

Gene: CIITA (class II major histocompatibility complex transactivator; plus strand). Cytogenetic location: 16p13.13.
Variant type: single nucleotide variant.
Coding change: c.647C>T on transcript NM_000246.4 (MANE Select); coding-DNA position 647, C replaced by T.
Protein change: p.Ser216Leu; replaces serine 216 with leucine.
Molecular consequence: missense variant. On other transcripts: non-coding transcript variant (1).
Genome position (GRCh38, 1-based): chr16:10,902,676, C>T. VCF-style: chr16-10902676-C-T. GRCh37 (hg19) VCF-style: chr16-10996533-C-T.
Other names: c.650C>T, p.Ser217Leu (NM_001286402.1, NM_001379332.1); c.500C>T, p.Ser167Leu (NM_001286403.2, NM_001379331.1); c.503C>T, p.Ser168Leu (NM_001379330.1); c.647C>T, p.Ser216Leu (NM_001379333.1); c.578C>T, p.Ser193Leu (NM_001379334.1); c.647C>T (NM_000246.3); short protein forms S168L, S167L, S193L, S216L, S217L.
Identifiers: ClinVar variation 1512382 (VCV001512382.6), dbSNP rs954347047, ClinGen allele CA277737959.

ClinVar aggregate classification (germline): Conflicting classifications of pathogenicity. Review status: criteria provided, conflicting classifications (1 of 4 stars). 2 submissions from 2 submitters: Uncertain significance (1); Likely benign (1). Last evaluated 2025-04-25.

Conditions:
MHC class II deficiency. Also called: Bare lymphocyte syndrome 2; BLS, TYPE II. Identifiers: Orphanet 572, MedGen C5447452, MONDO:0008855.
Inborn genetic diseases. Identifiers: MedGen C0950123, MeSH D030342.

Allele frequency attached by ClinVar (database versions not stated): gnomAD 0.00001 and 0.00002; gnomAD exomes 0.00001; TOPMed 0.00002.
gnomAD v4.1: 25 of 1,614,126 alleles (0.0015%); highest among the groups gnomAD compares: East Asian, 0.0022%; no homozygotes.

Submissions (2):

Ambry Genetics
Classification: Likely benign for Inborn genetic diseases. Last evaluated: 2025-04-25. Review status: criteria provided, single submitter. Criteria: Ambry Variant Classification Scheme 2023. Collection method: clinical testing. Allele origin: germline.

Labcorp Genetics (formerly Invitae), Labcorp
Classification: Uncertain significance for MHC class II deficiency. Last evaluated: 2022-04-20. Review status: criteria provided, single submitter. Criteria: Invitae Variant Classification Sherloc (09022015). Collection method: clinical testing. Allele origin: germline.
Comment: This sequence change replaces serine, which is neutral and polar, with leucine, which is neutral and non-polar, at codon 216 of the CIITA protein (p.Ser216Leu). This variant is present in population databases (no rsID available, gnomAD 0.006%). This variant has not been reported in the literature in individuals affected with CIITA-related conditions. Algorithms developed to predict the effect of missense changes on protein structure and function output the following: SIFT: "Tolerated"; PolyPhen-2: "Benign"; Align-GVGD: "Class C0". The leucine amino acid residue is found in multiple mammalian species, which suggests that this missense change does not adversely affect protein function. In summary, the available evidence is currently insufficient to determine the role of this variant in disease. Therefore, it has been classified as a Variant of Uncertain Significance.